The following is an entry in ClinVar:

NM_001291415.2(KDM6A):c.3274G>A (p.Ala1092Thr)

Gene: KDM6A (lysine demethylase 6A; plus strand). Cytogenetic location: Xp11.3.
Variant type: single nucleotide variant.
Coding change: c.3274G>A on transcript NM_001291415.2 (MANE Select); coding-DNA position 3274, G replaced by A.
Protein change: p.Ala1092Thr; replaces alanine 1092 with threonine.
Molecular consequence: missense variant. On other transcripts: non-coding transcript variant (1).
Genome position (GRCh38, 1-based): chrX:45,079,325, G>A. VCF-style: chrX-45079325-G-A. GRCh37 (hg19) VCF-style: chrX-44938570-G-A.
Other names: c.3118G>A, p.Ala1040Thr (NM_001419812.1, NM_021140.4); c.3172G>A, p.Ala1058Thr (NM_001419813.1, NM_001419810.1); c.3016G>A, p.Ala1006Thr (NM_001419814.1, NM_001410742.1); c.2881G>A, p.Ala961Thr (NM_001419815.1, NM_001291418.2); c.2983G>A, p.Ala995Thr (NM_001291417.2); c.2230G>A, p.Ala744Thr (NM_001291421.2); c.3274G>A, p.Ala1092Thr (NM_001419809.1); c.3139G>A, p.Ala1047Thr (NM_001419811.1, NM_001291416.2); short protein forms A1006T, A1040T, A1047T, A1058T, A1092T, A744T, A961T, A995T.
Identifiers: ClinVar variation 3360995 (VCV003360995.3).

ClinVar aggregate classification (germline): Likely pathogenic (1 of 4 stars; one submission).

gnomAD v4.1: 1 of 1,182,737 alleles (0.000085%); highest among the groups gnomAD compares: Non-Finnish European, 0.00012%; no homozygotes.

Submission:

GeneDx
Classification: Likely pathogenic. Last evaluated: 2026-10-19. Review status: criteria provided, single submitter. Criteria: GeneDx Variant Classification Process June 2021. Collection method: clinical testing. Allele origin: germline.
Comment: Not observed at significant frequency in large population cohorts (gnomAD); In silico analysis supports that this missense variant has a deleterious effect on protein structure/function; Has not been previously published as pathogenic or benign to our knowledge